The following is an entry in ClinVar:

ClinVar aggregate classification (germline): Likely benign (1 of 4 stars; one submission).

gnomAD v4.1: 21 of 1,551,110 alleles (0.0014%); highest among the groups gnomAD compares: Admixed American, 0.037%; no homozygotes.

Submission:

CeGaT Center for Human Genetics Tuebingen
Classification: Likely benign. Last evaluated: 2026-05-01. Review status: criteria provided, single submitter. Criteria: CeGaT Center For Human Genetics Tuebingen Variant Classification Criteria Version 2. Collection method: clinical testing. Allele origin: germline. Affected: yes. Observed: 1 variant allele.
Comment: C10orf71: BP4, BP7

NM_001135196.2(C10orf71):c.4179C>G (p.Thr1393=)

Gene: C10orf71 (chromosome 10 open reading frame 71; plus strand). Cytogenetic location: 10q11.23.
Variant type: single nucleotide variant.
Coding change: c.4179C>G on transcript NM_001135196.2 (MANE Select); coding-DNA position 4179, C replaced by G.
Protein change: p.Thr1393=; no amino-acid change (threonine 1393 retained).
Molecular consequence: synonymous variant.
Genome position (GRCh38, 1-based): chr10:49,326,724, C>G. VCF-style: chr10-49326724-C-G. GRCh37 (hg19) VCF-style: chr10-50534769-C-G.
Identifiers: ClinVar variation 4874354 (VCV004874354.2).